The following is an entry in ClinVar:

NM_000218.3(KCNQ1):c.230C>T (p.Ser77Phe)

Gene: KCNQ1 (potassium voltage-gated channel subfamily Q member 1; plus strand). Cytogenetic location: 11p15.5.
Variant type: single nucleotide variant.
Coding change: c.230C>T on transcript NM_000218.3 (MANE Select); coding-DNA position 230, C replaced by T.
Protein change: p.Ser77Phe; replaces serine 77 with phenylalanine.
Molecular consequence: missense variant.
Genome position (GRCh38, 1-based): chr11:2,445,328, C>T. VCF-style: chr11-2445328-C-T. GRCh37 (hg19) VCF-style: chr11-2466558-C-T.
Other names: short protein forms S77F.
Identifiers: ClinVar variation 451983 (VCV000451983.10), dbSNP rs774349962, ClinGen allele CA034534.

ClinVar aggregate classification (germline): Uncertain significance. Review status: criteria provided, multiple submitters, no conflicts (2 of 4 stars). 4 submissions from 4 submitters: Uncertain significance (4). Last evaluated 2025-10-10.

Conditions:
Cardiovascular phenotype. Identifiers: MedGen CN230736.
Long QT syndrome (LQTS). Identifiers: MedGen C0023976, MeSH D008133, MONDO:0002442. Disease mechanism: loss of function. Inheritance: Various modes of inheritance.

Allele frequency attached by ClinVar (database versions not stated): gnomAD exomes 0.00001 and 0.00002; ExAC 0.00002; TOPMed 0.00002; gnomAD 0.00003 and 0.00004.
gnomAD v4.1: 30 of 1,578,468 alleles (0.0019%); highest among the groups gnomAD compares: African/African-American, 0.0068%; no homozygotes.

Submissions (4):

Ambry Genetics
Classification: Uncertain significance for Cardiovascular phenotype. Last evaluated: 2025-10-10. Review status: criteria provided, single submitter. Criteria: Ambry Variant Classification Scheme 2023. Collection method: clinical testing. Allele origin: germline.
Comment: The p.S77F variant (also known as c.230C>T), located in coding exon 1 of the KCNQ1 gene, results from a C to T substitution at nucleotide position 230. The serine at codon 77 is replaced by phenylalanine, an amino acid with highly dissimilar properties. This variant was reported in individual(s) with features consistent with arrhythmia (Tester DJ et al. J Am Coll Cardiol, 2018 Mar;71:1217-1227). This amino acid position is poorly conserved in available vertebrate species. In addition, this alteration is predicted to be tolerated by in silico analysis. Based on the available evidence, the clinical significance of this variant remains unclear.

Labcorp Genetics (formerly Invitae), Labcorp
Classification: Uncertain significance for Long QT syndrome. Last evaluated: 2025-01-12. Review status: criteria provided, single submitter. Criteria: Invitae Variant Classification Sherloc (09022015). Collection method: clinical testing. Allele origin: germline.
Comment: This sequence change replaces serine, which is neutral and polar, with phenylalanine, which is neutral and non-polar, at codon 77 of the KCNQ1 protein (p.Ser77Phe). This variant is present in population databases (rs774349962, gnomAD 0.003%). This missense change has been observed in individual(s) with sudden infant death syndrome (PMID: 29544605). ClinVar contains an entry for this variant (Variation ID: 451983). Invitae Evidence Modeling of protein sequence and biophysical properties (such as structural, functional, and spatial information, amino acid conservation, physicochemical variation, residue mobility, and thermodynamic stability) indicates that this missense variant is not expected to disrupt KCNQ1 protein function with a negative predictive value of 95%. In summary, the available evidence is currently insufficient to determine the role of this variant in disease. Therefore, it has been classified as a Variant of Uncertain Significance.

Blueprint Genetics
Classification: Uncertain significance. Last evaluated: 2022-03-21. Review status: criteria provided, single submitter. Criteria: ACMG Guidelines, 2015. Collection method: clinical testing. Allele origin: germline.

GeneDx
Classification: Uncertain significance. Last evaluated: 2021-03-24. Review status: criteria provided, single submitter. Criteria: GeneDx Variant Classification Process June 2021. Collection method: clinical testing. Allele origin: germline. Affected: yes.
Comment: Reported in ClinVar as a variant of uncertain significance (ClinVar Variant ID#451983; Landrum et al., 2016); Not observed at a significant frequency in large population cohorts (Lek et al., 2016); In silico analysis, which includes protein predictors and evolutionary conservation, supports that this variant does not alter protein structure/function; This variant is associated with the following publications: (PMID: 29544605)

Literature cited by the submitters: PubMed 29544605 (cited by Ambry Genetics and Labcorp Genetics (formerly Invitae), Labcorp).